The following is an entry in ClinVar:

ClinVar aggregate classification (germline): Benign/Likely benign. Review status: criteria provided, multiple submitters, no conflicts (2 of 4 stars). 3 submissions from 3 submitters: Benign (1); Likely benign (2). Last evaluated 2025-11-21.

Conditions:
Ataxia-telangiectasia syndrome (AT). Also called: Ataxia-telangiectasia; Cerebello-oculocutaneous telangiectasia; Immunodeficiency with ataxia telangiectasia; Ataxia-telangiectasia, complementation group D; AT, COMPLEMENTATION GROUP C; Ataxia telangiectasia (A-T). Identifiers: Orphanet 100, MedGen C0004135, MONDO:0008840, OMIM 208900.
Familial cancer of breast. Also called: BREAST CANCER, FAMILIAL; Hereditary breast cancer; hereditary breast carcinoma. Identifiers: Orphanet 227535, MedGen C0346153, MONDO:0016419, OMIM 114480. Disease mechanism: loss of function.
Hereditary cancer-predisposing syndrome. Also called: Hereditary Cancer Syndrome; Hereditary neoplastic syndrome; Neoplastic Syndromes, Hereditary; Tumor predisposition. Identifiers: Orphanet 140162, MedGen C0027672, MeSH D009386, MONDO:0015356.

Submissions (3):

Labcorp Genetics (formerly Invitae), Labcorp
Classification: Likely benign for Ataxia-telangiectasia syndrome. Last evaluated: 2025-11-21. Review status: criteria provided, single submitter. Criteria: Invitae Variant Classification Sherloc (09022015). Collection method: clinical testing. Allele origin: germline.

Myriad Genetics, Inc.
Classification: Benign for Familial cancer of breast. Last evaluated: 2024-05-15. Review status: criteria provided, single submitter. Criteria: Myriad Autosomal Dominant, Autosomal Recessive and X-Linked Classification Criteria (2023). Collection method: clinical testing. Allele origin: unknown.
Comment: This variant is considered benign. This variant is a silent/synonymous amino acid change and it is not expected to impact splicing.

Ambry Genetics
Classification: Likely benign for Hereditary cancer-predisposing syndrome. Last evaluated: 2021-10-25. Review status: criteria provided, single submitter. Criteria: Ambry Variant Classification Scheme 2023. Collection method: clinical testing. Allele origin: germline.

NM_000051.4(ATM):c.3891T>C (p.Tyr1297=)

Gene: ATM (ATM serine/threonine kinase; plus strand). Cytogenetic location: 11q22.3.
Variant type: single nucleotide variant.
Coding change: c.3891T>C on transcript NM_000051.4 (MANE Select); coding-DNA position 3891, T replaced by C.
Protein change: p.Tyr1297=; no amino-acid change (tyrosine 1297 retained).
Molecular consequence: synonymous variant.
Genome position (GRCh38, 1-based): chr11:108,284,371, T>C. VCF-style: chr11-108284371-T-C. GRCh37 (hg19) VCF-style: chr11-108155098-T-C.
Other names: c.3891T>C, p.Tyr1297= (NM_001351834.2).
Identifiers: ClinVar variation 1148649 (VCV001148649.12), dbSNP rs2135707669, ClinGen allele CA476745091.